The following is an entry in ClinVar:

ClinVar aggregate classification (germline): Uncertain significance (1 of 4 stars; one submission).

Submission:

Labcorp Genetics (formerly Invitae), Labcorp
Classification: Uncertain significance. Last evaluated: 2024-02-10. Review status: criteria provided, single submitter. Criteria: Invitae Variant Classification Sherloc (09022015). Collection method: clinical testing. Allele origin: germline.
Comment: This sequence change replaces proline, which is neutral and non-polar, with serine, which is neutral and polar, at codon 214 of the GATAD2B protein (p.Pro214Ser). This variant is not present in population databases (gnomAD no frequency). This variant has not been reported in the literature in individuals affected with GATAD2B-related conditions. Advanced modeling of protein sequence and biophysical properties (such as structural, functional, and spatial information, amino acid conservation, physicochemical variation, residue mobility, and thermodynamic stability) performed at Invitae indicates that this missense variant is not expected to disrupt GATAD2B protein function with a negative predictive value of 80%. In summary, the available evidence is currently insufficient to determine the role of this variant in disease. Therefore, it has been classified as a Variant of Uncertain Significance.

NM_020699.4(GATAD2B):c.640C>T (p.Pro214Ser)

Gene: GATAD2B (GATA zinc finger domain containing 2B; minus strand). Cytogenetic location: 1q21.3.
Variant type: single nucleotide variant.
Coding change: c.640C>T on transcript NM_020699.4 (MANE Select); coding-DNA position 640, C replaced by T.
Protein change: p.Pro214Ser; replaces proline 214 with serine.
Molecular consequence: missense variant.
Genome position (GRCh38, 1-based): chr1:153,818,129, G>A on the plus strand (C>T on the coding strand, the complement: GATAD2B is on the minus strand). VCF-style: chr1-153818129-G-A. GRCh37 (hg19) VCF-style: chr1-153790605-G-A.
Other names: short protein forms P214S.
Identifiers: ClinVar variation 3686661 (VCV003686661.2).
Genomic context (GRCh38, chr1:153,818,129, plus strand): 5'-CCCCTTGGGCCCCAGGCCGAGAGGGAAGCTTAGATAGGCCCTGCTGTCCCACATGGGCAG[G>A]AGATGGCTGAACAATAGATGCTGCATTCTGTACAACTGGAGTCTGGGAGAGGGAAGAGAA-3'
Protein context (NP_065750.1, residues 204-224): QNAASIVQPS[Pro214Ser]AHVGQQGLSK